The following is an entry in ClinVar:

ClinVar aggregate classification (germline): Likely benign (1 of 4 stars; one submission).

Conditions:
Multiple endocrine neoplasia, type 1 (MEN1). Also called: MEN I; WERMER SYNDROME; Endocrine adenomatosis multiple; MEN 1; MEA I. Identifiers: Orphanet 652, MedGen C0025267, MeSH D018761, MONDO:0007540, OMIM 131100.

Submission:

Myriad Genetics, Inc.
Classification: Likely benign for Multiple endocrine neoplasia, type 1. Last evaluated: 2024-11-04. Review status: criteria provided, single submitter. Criteria: Myriad Autosomal Dominant, Autosomal Recessive and X-Linked Classification Criteria (2023). Collection method: clinical testing. Allele origin: unknown.
Comment: This variant is considered likely benign. This variant is intronic and is not expected to impact mRNA splicing.

NM_001370259.2(MEN1):c.1050-17C>T

Gene: MEN1 (menin 1; minus strand). Cytogenetic location: 11q13.1.
Variant type: single nucleotide variant.
Coding change: c.1050-17C>T on transcript NM_001370259.2 (MANE Select); 17 bases into the intron before coding-DNA position 1050, C replaced by T.
Molecular consequence: intron variant.
Genome position (GRCh38, 1-based): chr11:64,805,787, G>A on the plus strand (C>T on the coding strand, the complement: MEN1 is on the minus strand). VCF-style: chr11-64805787-G-A. GRCh37 (hg19) VCF-style: chr11-64573259-G-A.
Other names: c.1065-17C>T (NM_130804.3, NM_130803.3, NM_000244.4 and 4 more transcripts); c.945-17C>T (NM_001407148.1, NM_001407149.1, NM_001370263.2 and 1 more transcripts); c.1050-17C>T (NM_130799.3, NM_001370260.2, NM_001407152.1 and 3 more transcripts); c.1176-17C>T (NM_001407144.1, NM_001370251.2, NM_001407142.1 and 1 more transcripts); c.1071-17C>T (NM_001407151.1); c.1191-17C>T (NM_001407150.1).
Identifiers: ClinVar variation 3773250 (VCV003773250.1).